The following is an entry in ClinVar:

ClinVar aggregate classification (germline): Benign (1 of 4 stars; one submission).

Conditions:
Retinoblastoma (RB1). Also called: RETINOBLASTOMA, SOMATIC. Identifiers: Orphanet 790, MedGen C0035335, MeSH D012175, MONDO:0008380, OMIM 180200, HP:0009919. Disease mechanism: loss of function. Inheritance: Both sporadic and heritable forms are tested..

gnomAD v4.1: 3 of 1,612,118 alleles (0.00019%); highest among the groups gnomAD compares: Non-Finnish European, 0.00025%; no homozygotes.

Submission:

Myriad Genetics, Inc.
Classification: Benign for Retinoblastoma. Last evaluated: 2026-06-24. Review status: criteria provided, single submitter. Criteria: Myriad Autosomal Dominant, Autosomal Recessive and X-Linked Classification Criteria (2023). Collection method: clinical testing. Allele origin: unknown.
Comment: This variant is considered benign. This variant is a silent/synonymous amino acid change and it is not expected to impact splicing.

NM_000321.3(RB1):c.1539T>C (p.Ser513=)

Gene: RB1 (RB transcriptional corepressor 1; plus strand). Cytogenetic location: 13q14.2.
Variant type: single nucleotide variant.
Coding change: c.1539T>C on transcript NM_000321.3 (MANE Select); coding-DNA position 1539, T replaced by C.
Protein change: p.Ser513=; no amino-acid change (serine 513 retained).
Molecular consequence: synonymous variant.
Genome position (GRCh38, 1-based): chr13:48,381,287, T>C. VCF-style: chr13-48381287-T-C. GRCh37 (hg19) VCF-style: chr13-48955423-T-C.
Other names: c.1539T>C, p.Ser513= (NM_001407165.1, NM_001407166.1).
Identifiers: ClinVar variation 4876023 (VCV004876023.1).
Genomic context (GRCh38, chr13:48,381,287, plus strand): 5'-CTTTTTTTTTTCATTTTTAGGAAGTACATCTCAGAATCTTGATTCTGGAACAGATTTGTC[T>C]TTCCCATGGATTCTGAATGTGCTTAATTTAAAAGCCTTTGATTTTTACAAAGTGATCGAA-3'
Protein context (NP_000312.2, residues 503-523): SQNLDSGTDL[Ser513=]FPWILNVLNL